The following is an entry in ClinVar:

ClinVar aggregate classification (germline): Likely pathogenic (1 of 4 stars; one submission).

Conditions:
MPDU1-congenital disorder of glycosylation. Also called: MPDU1-CDG; CONGENITAL DISORDER OF GLYCOSYLATION, TYPE If; CDG If. Identifiers: Orphanet 79323, MedGen C1836669, MONDO:0012211, OMIM 609180.

Submission:

First Genomix Gene Laboratory, Genetic Diagnostics Department
Classification: Likely pathogenic for MPDU1-congenital disorder of glycosylation. Last evaluated: 2025-09-26. Review status: criteria provided, single submitter. Criteria: ACMG Guidelines, 2015. Collection method: clinical testing. Allele origin: germline. Inheritance: Autosomal recessive inheritance. Affected: no. Observed: 1 variant allele.

NM_004870.4(MPDU1):c.508-1G>C

Gene: MPDU1 (mannose-P-dolichol utilization defect 1; plus strand). Cytogenetic location: 17p13.1.
Variant type: single nucleotide variant.
Coding change: c.508-1G>C on transcript NM_004870.4 (MANE Select); the canonical splice acceptor site of the intron before coding-DNA position 508, G replaced by C.
Molecular consequence: splice acceptor variant.
Genome position (GRCh38, 1-based): chr17:7,587,160, G>C. VCF-style: chr17-7587160-G-C. GRCh37 (hg19) VCF-style: chr17-7490478-G-C.
Other names: c.450-1G>C (NM_001330073.1).
Identifiers: ClinVar variation 4850306 (VCV004850306.1).